The following is an entry in ClinVar:

NM_031206.7(LAS1L):c.704G>A (p.Ser235Asn)

Gene: LAS1L (LAS1 like ribosome biogenesis factor; minus strand). Cytogenetic location: Xq12.
Variant type: single nucleotide variant.
Coding change: c.704G>A on transcript NM_031206.7 (MANE Select); coding-DNA position 704, G replaced by A.
Protein change: p.Ser235Asn; replaces serine 235 with asparagine.
Molecular consequence: missense variant. On other transcripts: 5 prime UTR variant (1), non-coding transcript variant (1).
Genome position (GRCh38, 1-based): chrX:65,529,689, C>T on the plus strand (G>A on the coding strand, the complement: LAS1L is on the minus strand). VCF-style: chrX-65529689-C-T. GRCh37 (hg19) VCF-style: chrX-64749569-C-T.
Other names: c.704G>A, p.Ser235Asn (NM_001170649.2, NM_001375328.1, NM_001375329.1 and 7 more transcripts); c.578G>A, p.Ser193Asn (NM_001170650.2); c.-93G>A (NM_001375332.1); short protein forms S193N, S235N.
Identifiers: ClinVar variation 1448734 (VCV001448734.6), dbSNP rs755168381, ClinGen allele CA10434043.

ClinVar aggregate classification (germline): Uncertain significance (1 of 4 stars; one submission).

Conditions:
Wilson-Turner syndrome (WTS). Also called: MENTAL RETARDATION, X-LINKED, SYNDROMIC 6; INTELLECTUAL DEVELOPMENTAL DISORDER, X-LINKED, SYNDROMIC, WILSON-TURNER TYPE. Identifiers: Orphanet 3459, MedGen C1839736, MONDO:0010665, OMIM 309585.

Allele frequency attached by ClinVar (database versions not stated): ExAC 0.00001.

Submission:

Labcorp Genetics (formerly Invitae), Labcorp
Classification: Uncertain significance for Wilson-Turner syndrome. Last evaluated: 2022-12-07. Review status: criteria provided, single submitter. Criteria: Invitae Variant Classification Sherloc (09022015). Collection method: clinical testing. Allele origin: germline.
Comment: In summary, the available evidence is currently insufficient to determine the role of this variant in disease. Therefore, it has been classified as a Variant of Uncertain Significance. Advanced modeling of protein sequence and biophysical properties (such as structural, functional, and spatial information, amino acid conservation, physicochemical variation, residue mobility, and thermodynamic stability) performed at Invitae indicates that this missense variant is not expected to disrupt LAS1L protein function. ClinVar contains an entry for this variant (Variation ID: 1448734). This variant has not been reported in the literature in individuals affected with LAS1L-related conditions. This variant is not present in population databases (gnomAD no frequency). This sequence change replaces serine, which is neutral and polar, with asparagine, which is neutral and polar, at codon 235 of the LAS1L protein (p.Ser235Asn).